The following is an entry in ClinVar:

NM_015512.5(DNAH1):c.3028-6C>G

Gene: DNAH1 (dynein axonemal heavy chain 1; plus strand). Cytogenetic location: 3p21.1.
Variant type: single nucleotide variant.
Coding change: c.3028-6C>G on transcript NM_015512.5 (MANE Select); 6 bases into the intron before coding-DNA position 3028, C replaced by G.
Molecular consequence: intron variant.
Genome position (GRCh38, 1-based): chr3:52,353,097, C>G. VCF-style: chr3-52353097-C-G. GRCh37 (hg19) VCF-style: chr3-52387113-C-G.
Other names: c.3028-6C>G (NM_015512.4).
Identifiers: ClinVar variation 1513103 (VCV001513103.7), dbSNP rs549292053, ClinGen allele CA2433469.

ClinVar aggregate classification (germline): Likely benign. Review status: criteria provided, multiple submitters, no conflicts (2 of 4 stars). 2 submissions from 2 submitters: Likely benign (2). Last evaluated 2025-10-06.

Conditions:
Spermatogenic failure 18. Identifiers: MedGen C4539783, MONDO:0054615, OMIM 617576.
Ciliary dyskinesia, primary, 37 (CILD37). Also called: CILIARY DYSKINESIA, PRIMARY, 37, WITH OR WITHOUT SITUS INVERSUS. Identifiers: MedGen C4539798, MONDO:0033204, OMIM 617577.
DNAH1-related disorder. Also called: DNAH1-related condition.

Allele frequency attached by ClinVar (database versions not stated): gnomAD 0.00001; gnomAD exomes 0.00001; ExAC 0.00002; 1000 Genomes Project 30x 0.00016; 1000 Genomes Project 0.00020.
gnomAD v4.1: 18 of 1,611,070 alleles (0.0011%); highest among the groups gnomAD compares: East Asian, 0.013%; no homozygotes.

Submissions (2):

Labcorp Genetics (formerly Invitae), Labcorp
Classification: Likely benign for Ciliary dyskinesia, primary, 37; Spermatogenic failure 18. Last evaluated: 2025-10-06. Review status: criteria provided, single submitter. Criteria: Invitae Variant Classification Sherloc (09022015). Collection method: clinical testing. Allele origin: germline.

PreventionGenetics, part of Exact Sciences
Classification: Likely benign for DNAH1-related condition. Last evaluated: 2024-10-31. Review status: criteria provided, single submitter. Criteria: ACMG Guidelines, 2015. Collection method: clinical testing. Allele origin: germline.
Comment: This variant is classified as likely benign based on ACMG/AMP sequence variant interpretation guidelines (Richards et al. 2015 PMID: 25741868, with internal and published modifications).